The following is an entry in ClinVar:

ClinVar aggregate classification (germline): Uncertain significance (1 of 4 stars; one submission).

Conditions:
Hereditary cancer-predisposing syndrome. Also called: Neoplastic Syndromes, Hereditary; Tumor predisposition; Hereditary neoplastic syndrome; Hereditary Cancer Syndrome. Identifiers: Orphanet 140162, MedGen C0027672, MeSH D009386, MONDO:0015356.
Familial thoracic aortic aneurysm and aortic dissection (TAAD). Also called: Thoracic aortic aneurysms and dissections. Identifiers: Orphanet 91387, MedGen C4707243, MONDO:0019625.

Allele frequency attached by ClinVar (database versions not stated): TOPMed below 0.00001.

Submission:

Ambry Genetics
Classification: Uncertain significance for Hereditary cancer-predisposing syndrome; Familial thoracic aortic aneurysm and aortic dissection. Last evaluated: 2023-12-04. Review status: criteria provided, single submitter. Criteria: Ambry Variant Classification Scheme 2023. Collection method: clinical testing. Allele origin: germline.
Comment: The p.Y328H variant (also known as c.982T>C), located in coding exon 8 of the SMAD4 gene, results from a T to C substitution at nucleotide position 982. The tyrosine at codon 328 is replaced by histidine, an amino acid with similar properties. This amino acid position is conserved. In addition, this alteration is predicted to be deleterious by in silico analysis. Since supporting evidence is limited at this time, the clinical significance of this alteration remains unclear.

NM_005359.6(SMAD4):c.982T>C (p.Tyr328His)

Gene: SMAD4 (SMAD family member 4; plus strand). Cytogenetic location: 18q21.2.
Variant type: single nucleotide variant.
Coding change: c.982T>C on transcript NM_005359.6 (MANE Select); coding-DNA position 982, T replaced by C.
Protein change: p.Tyr328His; replaces tyrosine 328 with histidine.
Molecular consequence: missense variant. On other transcripts: non-coding transcript variant (2).
Genome position (GRCh38, 1-based): chr18:51,065,449, T>C. VCF-style: chr18-51065449-T-C. GRCh37 (hg19) VCF-style: chr18-48591819-T-C.
Other names: c.982T>C, p.Tyr328His (NM_001407041.1, NM_001407042.1, NM_001407043.1); short protein forms Y328H.
Identifiers: ClinVar variation 3238438 (VCV003238438.1), dbSNP rs1910120556.